The following is an entry in ClinVar:

NM_000038.6(APC):c.1313-17T>C

Gene: APC (APC regulator of Wnt signaling pathway; plus strand). Cytogenetic location: 5q22.2.
Variant type: single nucleotide variant.
Coding change: c.1313-17T>C on transcript NM_000038.6 (MANE Select); 17 bases into the intron before coding-DNA position 1313, T replaced by C.
Molecular consequence: intron variant.
Genome position (GRCh38, 1-based): chr5:112,821,879, T>C. VCF-style: chr5-112821879-T-C. GRCh37 (hg19) VCF-style: chr5-112157576-T-C.
Other names: c.464-17T>C (NM_001407470.1, NM_001354906.2); c.161-17T>C (NM_001407472.1, NM_001407471.1); c.1313-17T>C (NM_001407447.1, NM_001354895.2, NM_001407448.1 and 4 more transcripts); c.1010-17T>C (NM_001407456.1, NM_001407460.1, NM_001407457.1 and 5 more transcripts); c.1229-17T>C (NM_001407452.1, NM_001354899.2); c.926-17T>C (NM_001407469.1, NM_001407467.1); c.1343-17T>C (NM_001407446.1, NM_001354897.2); c.1040-17T>C (NM_001354902.2); and 5 more.
Identifiers: ClinVar variation 3148016 (VCV003148016.2), dbSNP rs2533105060, ClinGen allele CA2674855540.
Genomic context (GRCh38, chr5:112,821,879, plus strand): 5'-ATATTTTTAAAGTACAATAAACATCATTGCTCTTCAAATAACAAAGCATTATGGTTTATG[T>C]TGATTTTATTTTTCAGTGCCAGCTCCTGTTGAACATCAGATCTGTCCTGCTGTGTGTGTT-3'

ClinVar aggregate classification (germline): Likely benign. Review status: criteria provided, multiple submitters, no conflicts (2 of 4 stars). 2 submissions from 2 submitters: Likely benign (2). Last evaluated 2025-06-04.

Conditions:
Familial adenomatous polyposis 1 (FAP1). Also called: POLYPOSIS, ADENOMATOUS INTESTINAL; FAMILIAL ADENOMATOUS POLYPOSIS 1, ATTENUATED. Identifiers: MedGen C2713442, MONDO:0021056, OMIM 175100. Disease mechanism: loss of function.

Allele frequency attached by ClinVar (database versions not stated): gnomAD exomes below 0.00001.
gnomAD v4.1: 1 of 1,586,306 alleles (0.000063%); highest among the groups gnomAD compares: Non-Finnish European, 0.000087%; no homozygotes.

Submissions (2):

Labcorp Genetics (formerly Invitae), Labcorp
Classification: Likely benign for Familial adenomatous polyposis 1. Last evaluated: 2025-06-04. Review status: criteria provided, single submitter. Criteria: Invitae Variant Classification Sherloc (09022015). Collection method: clinical testing. Allele origin: germline.

Myriad Genetics, Inc.
Classification: Likely benign for Familial adenomatous polyposis 1. Last evaluated: 2024-03-01. Review status: criteria provided, single submitter. Criteria: Myriad Autosomal Dominant, Autosomal Recessive and X-Linked Classification Criteria (2023). Collection method: clinical testing. Allele origin: unknown.
Comment: This variant is considered likely benign. This variant is intronic and is not expected to impact mRNA splicing.